The following is an entry in ClinVar:

NM_004415.4(DSP):c.1695C>G (p.Ile565Met)

Gene: DSP (desmoplakin; plus strand). Cytogenetic location: 6p24.3.
Variant type: single nucleotide variant.
Coding change: c.1695C>G on transcript NM_004415.4 (MANE Select); coding-DNA position 1695, C replaced by G.
Protein change: p.Ile565Met; replaces isoleucine 565 with methionine.
Molecular consequence: missense variant.
Genome position (GRCh38, 1-based): chr6:7,570,557, C>G. VCF-style: chr6-7570557-C-G. GRCh37 (hg19) VCF-style: chr6-7570790-C-G.
Other names: c.1695C>G, p.Ile565Met (NM_001008844.3, NM_001319034.2); short protein forms I565M.
Identifiers: ClinVar variation 3072090 (VCV003072090.1), dbSNP rs752714010, ClinGen allele CA362678510.
Genomic context (GRCh38, chr6:7,570,557, plus strand): 5'-GAGCCTGGTGTCCTGGCACTACTGCATGATTGACATAGAGAAGATCAGGGCCATGACAAT[C>G]GCCAAGGTATGTCCTCAGGGCCACTTAGGCTGCCTGGAGGGAGGGCAGCGCTGCCCCCCG-3'
Protein context (NP_004406.2, residues 555-575): IDIEKIRAMT[Ile565Met]AKLKTMRQED

ClinVar aggregate classification (germline): Uncertain significance (1 of 4 stars; one submission).

Conditions:
Arrhythmogenic cardiomyopathy with wooly hair and keratoderma. Also called: PALMOPLANTAR KERATODERMA WITH LEFT VENTRICULAR CARDIOMYOPATHY AND WOOLLY HAIR; Carvajal syndrome; Dilated cardiomyopathy with woolly hair and keratoderma; Arrhythmogenic cardiomyopathy with woolly hair and keratoderma. Identifiers: Orphanet 65282, MedGen C1854063, MONDO:0011581, OMIM 605676.

Submission:

All of Us Research Program, National Institutes of Health
Classification: Uncertain significance for Arrhythmogenic cardiomyopathy with wooly hair and keratoderma. Last evaluated: 2023-06-28. Review status: criteria provided, single submitter. Criteria: ACMG Guidelines, 2015. Collection method: clinical testing. Allele origin: germline. Inheritance: Autosomal dominant inheritance. Observed: 1 variant allele, 1 heterozygote.
Comment: This study involves interpretation of variants in research participants for the purpose of population health screening. Participant phenotype was not available at the time of variant classification. Additional details can be found in publication PMID: 35346344, PMCID: PMC8962531